The following is an entry in ClinVar:

ClinVar aggregate classification (germline): Uncertain significance. Review status: criteria provided, multiple submitters, no conflicts (2 of 4 stars). 2 submissions from 2 submitters: Uncertain significance (2). Last evaluated 2024-08-12.

Conditions:
Inborn genetic diseases. Identifiers: MedGen C0950123, MeSH D030342.
Cerebellar dysfunction with variable cognitive and behavioral abnormalities (CECBA). Also called: Nonprogressive cerebellar atxia with intellectual disability. Identifiers: Orphanet 314647, MedGen C3553661, MONDO:0013886, OMIM 614756.

Submissions (2):

Ambry Genetics
Classification: Uncertain significance for Inborn genetic diseases. Last evaluated: 2024-08-12. Review status: criteria provided, single submitter. Criteria: Ambry Variant Classification Scheme 2023. Collection method: clinical testing. Allele origin: germline.

Neuberg Centre For Genomic Medicine, NCGM
Classification: Uncertain significance for Cerebellar dysfunction with variable cognitive and behavioral abnormalities. Review status: criteria provided, single submitter. Criteria: ACMG Guidelines, 2015. Collection method: clinical testing. Allele origin: germline. Inheritance: Autosomal dominant inheritance. Affected: yes.
Comment: The observed missense variant c.4115C>T(p.Thr1372Ile) in CAMTA1 gene has not been reported previously as a pathogenic variantnor as a benign variant, to our knowledge. The c.4115C>T(p.Thr1372Ile) variant is absent in gnomAD Exomes. The amino acid Thr atposition 1372 is changed to a Ile changing protein sequence and it might alter its composition and physico-chemicalproperties. Computational evidence (Polyphen-Benign, SIFT-damaging and Mutation Taster-disease causing) predicts conflictingevidence on protein structure and function for this variant. The reference amino acid p.Thr1372Ile in CAMTA1 is predicted asconserved by GERP++ and PhyloP across 100 vertebrates. For these reasons, this variant has been classified as UncertainSignificance.

NM_015215.4(CAMTA1):c.4115C>T (p.Thr1372Ile)

Genes: CAMTA1 (calmodulin binding transcription activator 1; plus strand), LOC126805603 (CDK7 strongly-dependent group 2 enhancer GRCh37_chr1:7798026-7799225; plus strand). Cytogenetic location: 1p36.23.
Variant type: single nucleotide variant.
Coding change: c.4115C>T on transcript NM_015215.4 (MANE Select); coding-DNA position 4115, C replaced by T.
Protein change: p.Thr1372Ile; replaces threonine 1372 with isoleucine.
Molecular consequence: missense variant.
Genome position (GRCh38, 1-based): chr1:7,738,415, C>T. VCF-style: chr1-7738415-C-T. GRCh37 (hg19) VCF-style: chr1-7798475-C-T.
Other names: c.4025C>T, p.Thr1342Ile (NM_001349608.2); c.3776C>T, p.Thr1259Ile (NM_001349609.2, NM_001349610.2, NM_001410737.1); c.3686C>T, p.Thr1229Ile (NM_001349612.2); c.1244C>T, p.Thr415Ile (NM_001349613.1); c.1187C>T, p.Thr396Ile (NM_001349614.1, NM_001349615.2, NM_001349616.2 and 2 more transcripts); c.848C>T, p.Thr283Ile (NM_001349619.2, NM_001349620.1, NM_001349621.1 and 5 more transcripts); c.3704C>T, p.Thr1235Ile (NM_001410738.1); c.4115C>T (NM_015215.2); short protein forms T1229I, T1235I, T1259I, T1342I, T1372I, T283I, T396I, T415I.
Identifiers: ClinVar variation 3377750 (VCV003377750.2).
Genomic context (GRCh38, chr1:7,738,415, plus strand): 5'-AGGTGCGTCCACGGGAACCAATGAGTGTCCTGATGATGGCTAACAGAGAGGTGGTGAATA[C>T]AGAGCTGGGGTCCTACCGTGATAGTGCAGAAAATGAAGAATGCGGCCAGCCCATGGATGA-3'
Protein context (NP_056030.1, residues 1362-1382): LMMANREVVN[Thr1372Ile]ELGSYRDSAE